The following is an entry in ClinVar:

ClinVar aggregate classification (germline): Benign/Likely benign. Review status: criteria provided, multiple submitters, no conflicts (2 of 4 stars). 8 submissions from 8 submitters: Benign (1); Likely benign (7). Last evaluated 2026-08-01.

Allele frequency attached by ClinVar (database versions not stated): 1000 Genomes Project 30x 0.00234; ExAC 0.00029; gnomAD exomes 0.00033 and 0.00075; gnomAD 0.00058 and 0.00068; ESP Exome Variant Server 0.00015; 1000 Genomes Project 0.00100.
gnomAD v4.1: 1,215 of 1,610,832 alleles (0.075%); highest among the groups gnomAD compares: East Asian, 0.21%; 1 homozygote.

Submissions (8):

CeGaT Center for Human Genetics Tuebingen
Classification: Likely benign. Last evaluated: 2026-08-01. Review status: criteria provided, single submitter. Criteria: CeGaT Center For Human Genetics Tuebingen Variant Classification Criteria Version 2. Collection method: clinical testing. Allele origin: germline. Affected: yes. Observed: 9 variant alleles.
Comment: GBA1: BP4, BP7

Women's Health and Genetics/Laboratory Corporation of America, LabCorp
Classification: Likely benign. Last evaluated: 2026-04-17. Review status: criteria provided, single submitter. Criteria: LabCorp Variant Classification Summary - May 2015. Collection method: clinical testing. Allele origin: germline.
Comment: Variant summary: GBA1 c.1497G>C (p.Val499Val), also referred to as Val460Val, alters a conserved nucleotide resulting in a synonymous change. Consensus agreement among computation tools predict no significant impact on normal splicing. However, these predictions have yet to be confirmed by functional studies. The variant was absent in 1610832 control chromosomes. The available data on variant occurrences in the general population are insufficient to allow any conclusion about variant significance. c.1497G>C has been observed as part of the frequently encountered GBA complex alleles, RecTL or Rec NciI in individuals affected with Gaucher Disease (e.g. Hong_1990, Zimran_1994, Stone_2000, Bhutada_2018). Rec TL and Rec NCiI are complex recombination alleles that carry two or more disease causing mutations due to gene conversion events between the GBA and the pseudo-GBA (GBAP) genes. To our knowledge, this variant has never been reported in isolation as a homozygous or compound heterozygous genotype in individuals with Gaucher Disease. Therefore, these reports do not provide unequivocal conclusions about association of the variant with Gaucher Disease. To our knowledge, no experimental evidence has been reported demonstrating that c.1497G>C in isolation results in a damaging impact on protein function. The following publications have been ascertained in the context of this evaluation (PMID: 10685993, 1972019, 8160756, 29854527). ClinVar contains an entry for this variant (Variation ID: 93451). Based on the evidence outlined above, the variant was classified as likely benign.

ARUP Laboratories, Molecular Genetics and Genomics, ARUP Laboratories
Classification: Likely benign. Last evaluated: 2025-07-22. Review status: criteria provided, single submitter. Criteria: ARUP Molecular Germline Variant Investigation Process 2024. Collection method: clinical testing. Allele origin: germline.

Laboratory of Genetics, Children's Clinical University Hospital Latvia
Classification: Likely benign. Last evaluated: 2025-02-16. Review status: criteria provided, single submitter. Criteria: ACMG Guidelines, 2015. Collection method: clinical testing. Allele origin: germline. Affected: yes.

Blueprint Genetics
Classification: Likely benign. Last evaluated: 2024-11-13. Review status: criteria provided, single submitter. Criteria: ACMG Guidelines, 2015. Collection method: clinical testing. Allele origin: germline.

Ambry Genetics
Classification: Likely benign. Last evaluated: 2022-02-28. Review status: criteria provided, single submitter. Criteria: Ambry Variant Classification Scheme 2023. Collection method: clinical testing. Allele origin: germline.

GeneDx
Classification: Likely benign. Last evaluated: 2017-07-21. Review status: criteria provided, single submitter. Criteria: GeneDx Variant Classification (06012015). Collection method: clinical testing. Allele origin: germline. Affected: yes.
Comment: This variant is considered likely benign or benign based on one or more of the following criteria: it is a conservative change, it occurs at a poorly conserved position in the protein, it is predicted to be benign by multiple in silico algorithms, and/or has population frequency not consistent with disease.

Eurofins Ntd Llc (ga)
Classification: Benign. Last evaluated: 2012-07-24. Review status: criteria provided, single submitter. Criteria: EGL Classification Definitions 2015. Collection method: clinical testing. Allele origin: germline. Observed: 28 variant alleles, 28 heterozygotes.

Literature cited by the submitters: PubMed 29854527 (cited by Women's Health and Genetics/Laboratory Corporation of America, LabCorp); PubMed 10685993 (cited by Women's Health and Genetics/Laboratory Corporation of America, LabCorp); PubMed 8160756 (cited by Women's Health and Genetics/Laboratory Corporation of America, LabCorp); PubMed 1972019 (cited by Women's Health and Genetics/Laboratory Corporation of America, LabCorp).

NM_000157.4(GBA1):c.1497G>C (p.Val499=)

Genes: GBA1 (glucosylceramidase beta 1; minus strand), LOC106627981 (GBA recombination region; plus strand). Cytogenetic location: 1q22.
Variant type: single nucleotide variant.
Coding change: c.1497G>C on transcript NM_000157.4 (MANE Select); coding-DNA position 1497, G replaced by C.
Protein change: p.Val499=; no amino-acid change (valine 499 retained).
Molecular consequence: synonymous variant.
Genome position (GRCh38, 1-based): chr1:155,235,203, C>G on the plus strand (G>C on the coding strand, the complement: GBA1 is on the minus strand). VCF-style: chr1-155235203-C-G. GRCh37 (hg19) VCF-style: chr1-155204994-C-G.
Other names: V460V; c.1497G>C, p.Val499= (NM_001005741.3, NM_001005742.3); c.1236G>C, p.Val412= (NM_001171811.2); c.1350G>C, p.Val450= (NM_001171812.2).
Identifiers: ClinVar variation 93451 (VCV000093451.36), dbSNP rs1135675, ClinGen allele CA146982.
Genomic context (GRCh38, chr1:155,235,203, plus strand): 5'-GGCCCCCAACGCTGTCTTCAGCCCACTTCCCAGACCTCACCATTGCCCTCACCGGTTTAG[C>G]ACGACCACAACAGCAGAGCCATCGGGATGCATCAGTGCCACTGCGTCCAGGTCGTTCTTC-3'
Protein context (NP_000148.2, residues 489-509): MHPDGSAVVV[Val499=]LNRSSKDVPL